The following is an entry in ClinVar:

NM_001110556.2(FLNA):c.7660C>A (p.Pro2554Thr)

Genes: FLNA (filamin A; minus strand), LOC107988032 (Xq28 proximal FLNA-EMD recombination region; plus strand). Cytogenetic location: Xq28.
Variant type: single nucleotide variant.
Coding change: c.7660C>A on transcript NM_001110556.2 (MANE Select); coding-DNA position 7660, C replaced by A.
Protein change: p.Pro2554Thr; replaces proline 2554 with threonine.
Molecular consequence: missense variant.
Genome position (GRCh38, 1-based): chrX:154,349,458, G>T on the plus strand (C>A on the coding strand, the complement: FLNA is on the minus strand). VCF-style: chrX-154349458-G-T. GRCh37 (hg19) VCF-style: chrX-153577826-G-T.
Other names: c.7636C>A, p.Pro2546Thr (NM_001456.4); short protein forms P2554T, P2546T.
Identifiers: ClinVar variation 405452 (VCV000405452.10), dbSNP rs1060500720, ClinGen allele CA16616645.

ClinVar aggregate classification (germline): Uncertain significance (1 of 4 stars; one submission).

Conditions:
Heterotopia, periventricular, X-linked dominant (PVNH1). Also called: PERIVENTRICULAR NODULAR HETEROTOPIA 4; HETEROTOPIA, PERIVENTRICULAR, 1; PERIVENTRICULAR NODULAR HETEROTOPIA 1; X-linked periventricular heterotopia. Identifiers: Orphanet 2149, Orphanet 82004, MedGen C1848213, MONDO:0010233, OMIM 300049.
Oto-palato-digital syndrome, type II (OPD2). Also called: Otopalatodigital Syndrome, Type II; Otopalatodigital Syndrome Type 2 (FLNA-OPD2); FACIOPALATOOSSEOUS SYNDROME; OPD II SYNDROME. Identifiers: Orphanet 669, Orphanet 90652, MedGen C1844696, MONDO:0010571, OMIM 304120.
Frontometaphyseal dysplasia (FMD1). Identifiers: Orphanet 1826, MedGen C0265293, MONDO:0015942.
Melnick-Needles syndrome (MNS). Also called: Melnick-Needles Syndrome (FLNA-MNS); MELNICK-NEEDLES OSTEODYSPLASTY; OSTEODYSPLASTY OF MELNICK AND NEEDLES. Identifiers: Orphanet 2484, MedGen C0025237, MONDO:0010650, OMIM 309350.

Submission:

Labcorp Genetics (formerly Invitae), Labcorp
Classification: Uncertain significance for Oto-palato-digital syndrome, type II; Heterotopia, periventricular, X-linked dominant; Frontometaphyseal dysplasia; Melnick-Needles syndrome. Last evaluated: 2020-12-18. Review status: criteria provided, single submitter. Criteria: Invitae Variant Classification Sherloc (09022015). Collection method: clinical testing. Allele origin: germline.
Comment: In summary, this variant is a novel missense change that is not predicted to affect protein function. There is no indication that it causes disease, but the available evidence is currently insufficient to prove that conclusively. Therefore, it has been classified as a Variant of Uncertain Significance. Algorithms developed to predict the effect of missense changes on protein structure and function (SIFT, PolyPhen-2, Align-GVGD) all suggest that this variant is likely to be tolerated, but these predictions have not been confirmed by published functional studies. This variant is not present in population databases (ExAC no frequency) and has not been reported in the literature in individuals with a FLNA-related disease. This sequence change replaces proline with threonine at codon 2546 of the FLNA protein (p.Pro2546Thr). The proline residue is weakly conserved and there is a small physicochemical difference between proline and threonine.